The following is an entry in ClinVar:

NM_007214.5(SEC63):c.1225A>C (p.Ile409Leu)

Gene: SEC63 (SEC63 protein translocation regulator; minus strand). Cytogenetic location: 6q21.
Variant type: single nucleotide variant.
Coding change: c.1225A>C on transcript NM_007214.5 (MANE Select); coding-DNA position 1225, A replaced by C.
Protein change: p.Ile409Leu; replaces isoleucine 409 with leucine.
Molecular consequence: missense variant.
Genome position (GRCh38, 1-based): chr6:107,901,502, T>G on the plus strand (A>C on the coding strand, the complement: SEC63 is on the minus strand). VCF-style: chr6-107901502-T-G. GRCh37 (hg19) VCF-style: chr6-108222706-T-G.
Other names: short protein forms I409L.
Identifiers: ClinVar variation 1936914 (VCV001936914.5), dbSNP rs1787002890, ClinGen allele CA365181592.

ClinVar aggregate classification (germline): Uncertain significance (1 of 4 stars; one submission).

Allele frequency attached by ClinVar (database versions not stated): TOPMed 0.00001.
gnomAD v4.1: 1 of 1,593,472 alleles (0.000063%); highest among the groups gnomAD compares: Non-Finnish European, 0.000086%; no homozygotes.

Submission:

Labcorp Genetics (formerly Invitae), Labcorp
Classification: Uncertain significance. Last evaluated: 2022-05-03. Review status: criteria provided, single submitter. Criteria: Invitae Variant Classification Sherloc (09022015). Collection method: clinical testing. Allele origin: germline.
Comment: Algorithms developed to predict the effect of missense changes on protein structure and function (SIFT, PolyPhen-2, Align-GVGD) all suggest that this variant is likely to be tolerated. In summary, the available evidence is currently insufficient to determine the role of this variant in disease. Therefore, it has been classified as a Variant of Uncertain Significance. Algorithms developed to predict the effect of sequence changes on RNA splicing suggest that this variant may create or strengthen a splice site. This variant has not been reported in the literature in individuals affected with SEC63-related conditions. This variant is not present in population databases (gnomAD no frequency). This sequence change replaces isoleucine, which is neutral and non-polar, with leucine, which is neutral and non-polar, at codon 409 of the SEC63 protein (p.Ile409Leu).